The following is an entry in ClinVar:

NM_007294.4(BRCA1):c.5277+8T>A

Gene: BRCA1 (BRCA1 DNA repair associated; minus strand). Cytogenetic location: 17q21.31.
Variant type: single nucleotide variant.
Coding change: c.5277+8T>A on transcript NM_007294.4 (MANE Select); 8 bases into the intron after coding-DNA position 5277, T replaced by A.
Molecular consequence: intron variant.
Genome position (GRCh38, 1-based): chr17:43,057,044, A>T on the plus strand (T>A on the coding strand, the complement: BRCA1 is on the minus strand). VCF-style: chr17-43057044-A-T. GRCh37 (hg19) VCF-style: chr17-41209061-A-T.
Other names: c.5337+8T>A (NM_001407590.1, NM_001407591.1); c.1842+8T>A (NM_001408443.1, NM_001408439.1, NM_001408434.1 and 10 more transcripts); c.1845+8T>A (NM_001408425.1, NM_001408428.1, NM_001408429.1 and 4 more transcripts); c.5148+8T>A (NM_001407681.1, NM_001407687.1, NM_001407941.1 and 6 more transcripts); c.5151+8T>A (NM_001407675.1, NM_001407680.1, NM_001407672.1 and 10 more transcripts); c.5154+8T>A (NM_001407664.1, NM_001407666.1, NM_001407919.1 and 6 more transcripts); c.5220+8T>A (NM_001407648.1); c.1851+8T>A (NM_001408419.1, NM_001408418.1, NM_001408420.1); and 72 more.
Identifiers: ClinVar variation 867926 (VCV000867926.3), dbSNP rs2051493505, ClinGen allele CA916081119.

Conditions:
Breast-ovarian cancer, familial, susceptibility to, 1 (BROVCA1). Also called: BRCA1 Hereditary Breast and Ovarian Cancer; OVARIAN CANCER, SUSCEPTIBILITY TO. Identifiers: Orphanet 145, MedGen C2676676, MONDO:0011450, OMIM 604370. Disease mechanism: loss of function.

Submission:

Brotman Baty Institute, University of Washington
No classification provided (evidence only). Condition: Breast-ovarian cancer, familial 1. Review status: no classification provided. Collection method: in vitro. Allele origin: not applicable. Functional consequence: functionally_normal.
ClinVar note: "not provided" was previously submitted as the classification for the variant. However, the classification appeared to be based only on an observation of functional data so it was converted to no classification on 2025-07-30.